The following is an entry in ClinVar:

NM_006642.5(SDCCAG8):c.118G>A (p.Asp40Asn)

Gene: SDCCAG8 (SHH signaling and ciliogenesis regulator SDCCAG8; plus strand). Cytogenetic location: 1q43.
Variant type: single nucleotide variant.
Coding change: c.118G>A on transcript NM_006642.5 (MANE Select); coding-DNA position 118, G replaced by A.
Protein change: p.Asp40Asn; replaces aspartic acid 40 with asparagine.
Molecular consequence: missense variant. On other transcripts: 5 prime UTR variant (4).
Genome position (GRCh38, 1-based): chr1:243,270,155, G>A. VCF-style: chr1-243270155-G-A. GRCh37 (hg19) VCF-style: chr1-243433457-G-A.
Other names: c.118G>A (NM_006642.3); c.-995G>A (NM_001350246.2); c.-883G>A (NM_001350247.2); c.118G>A, p.Asp40Asn (NM_001350248.2); c.-177G>A (NM_001350249.2); c.-1256G>A (NM_001350251.2); short protein forms D40N.
Identifiers: ClinVar variation 2156101 (VCV002156101.4), dbSNP rs202114636, ClinGen allele CA1483204.

ClinVar aggregate classification (germline): Uncertain significance. Review status: criteria provided, multiple submitters, no conflicts (2 of 4 stars). 3 submissions from 3 submitters: Uncertain significance (2). 1 of the submissions does not count toward it. Last evaluated 2024-12-25.

Conditions:
Bardet-Biedl syndrome 16 (BBS16). Identifiers: Orphanet 110, MedGen C3889474, MONDO:0014444, OMIM 615993.
Senior-Loken syndrome 7 (SLSN7). Identifiers: Orphanet 3156, MedGen C3150877, MONDO:0013326, OMIM 613615.
SDCCAG8-related disorder. Also called: SDCCAG8-Related Disorders; SDCCAG8-related condition.
Inborn genetic diseases. Identifiers: MedGen C0950123, MeSH D030342.

Allele frequency attached by ClinVar (database versions not stated): gnomAD exomes 0.00001; ExAC 0.00002; gnomAD 0.00003; TOPMed 0.00003; 1000 Genomes Project 30x 0.00016; 1000 Genomes Project 0.00020.
gnomAD v4.1: 14 of 1,614,160 alleles (0.00087%); highest among the groups gnomAD compares: Admixed American, 0.0067%; no homozygotes.

Submissions (3):

Ambry Genetics
Classification: Uncertain significance for Inborn genetic diseases. Last evaluated: 2024-12-25. Review status: criteria provided, single submitter. Criteria: Ambry Variant Classification Scheme 2023. Collection method: clinical testing. Allele origin: germline.

Labcorp Genetics (formerly Invitae), Labcorp
Classification: Uncertain significance for Bardet-Biedl syndrome 16; Senior-Loken syndrome 7. Last evaluated: 2022-04-23. Review status: criteria provided, single submitter. Criteria: Invitae Variant Classification Sherloc (09022015). Collection method: clinical testing. Allele origin: germline.
Comment: This sequence change replaces aspartic acid, which is acidic and polar, with asparagine, which is neutral and polar, at codon 40 of the SDCCAG8 protein (p.Asp40Asn). This variant is present in population databases (rs202114636, gnomAD 0.006%). This variant has not been reported in the literature in individuals affected with SDCCAG8-related conditions. Algorithms developed to predict the effect of missense changes on protein structure and function output the following: SIFT: "Tolerated"; PolyPhen-2: "Benign"; Align-GVGD: "Class C0". The asparagine amino acid residue is found in multiple mammalian species, which suggests that this missense change does not adversely affect protein function. In summary, the available evidence is currently insufficient to determine the role of this variant in disease. Therefore, it has been classified as a Variant of Uncertain Significance.

PreventionGenetics, part of Exact Sciences
Classification: Uncertain significance for SDCCAG8-related condition. Last evaluated: 2024-08-07. Review status: no assertion criteria provided. Collection method: clinical testing. Allele origin: germline. Not counted in ClinVar's aggregate classification.
Comment: The SDCCAG8 c.118G>A variant is predicted to result in the amino acid substitution p.Asp40Asn. To our knowledge, this variant has not been reported in the literature. This variant is reported in 0.0058% of alleles in individuals of Latino descent in gnomAD. At this time, the clinical significance of this variant is uncertain due to the absence of conclusive functional and genetic evidence.